The following is an entry in ClinVar:

ClinVar aggregate classification (germline): Uncertain significance (1 of 4 stars; one submission).

Conditions:
Long QT syndrome (LQTS). Identifiers: MedGen C0023976, MeSH D008133, MONDO:0002442. Disease mechanism: loss of function. Inheritance: Various modes of inheritance.

Allele frequency attached by ClinVar (database versions not stated): ESP Exome Variant Server 0.00008.
gnomAD v4.1: 2 of 1,606,344 alleles (0.00012%); highest among the groups gnomAD compares: Admixed American, 0.0034%; no homozygotes.

Submission:

Labcorp Genetics (formerly Invitae), Labcorp
Classification: Uncertain significance for Long QT syndrome. Last evaluated: 2024-08-11. Review status: criteria provided, single submitter. Criteria: Invitae Variant Classification Sherloc (09022015). Collection method: clinical testing. Allele origin: germline.
Comment: This sequence change replaces aspartic acid, which is acidic and polar, with glycine, which is neutral and non-polar, at codon 1575 of the AKAP9 protein (p.Asp1575Gly). This variant is present in population databases (rs145763255, gnomAD 0.006%). This variant has not been reported in the literature in individuals affected with AKAP9-related conditions. ClinVar contains an entry for this variant (Variation ID: 1987099). An algorithm developed to predict the effect of missense changes on protein structure and function (PolyPhen-2) suggests that this variant is likely to be disruptive. In summary, the available evidence is currently insufficient to determine the role of this variant in disease. Therefore, it has been classified as a Variant of Uncertain Significance.

NM_005751.5(AKAP9):c.4724A>G (p.Asp1575Gly)

Gene: AKAP9 (A-kinase anchoring protein 9; plus strand). Cytogenetic location: 7q21.2.
Variant type: single nucleotide variant.
Coding change: c.4724A>G on transcript NM_005751.5 (MANE Select); coding-DNA position 4724, A replaced by G.
Protein change: p.Asp1575Gly; replaces aspartic acid 1575 with glycine.
Molecular consequence: missense variant.
Genome position (GRCh38, 1-based): chr7:92,040,705, A>G. VCF-style: chr7-92040705-A-G. GRCh37 (hg19) VCF-style: chr7-91670019-A-G.
Other names: c.4724A>G, p.Asp1575Gly (NM_147185.3); short protein forms D1575G.
Identifiers: ClinVar variation 1987099 (VCV001987099.4), dbSNP rs145763255, ClinGen allele CA161896930.